The following is an entry in ClinVar:

ClinVar aggregate classification (germline): Uncertain significance. Review status: criteria provided, multiple submitters, no conflicts (2 of 4 stars). 2 submissions from 2 submitters: Uncertain significance (2). Last evaluated 2025-06-12.

Conditions:
Neutrophil immunodeficiency syndrome. Also called: Immunodeficiency 73A with defective neutrophil chemotaxis and leukocytosis. Identifiers: Orphanet 183707, MedGen C1842398, MONDO:0011988, OMIM 608203.

Allele frequency attached by ClinVar (database versions not stated): gnomAD exomes 0.00001.
gnomAD v4.1: 7 of 1,551,850 alleles (0.00045%); highest among the groups gnomAD compares: Admixed American, 0.002%; no homozygotes.

Submissions (2):

Labcorp Genetics (formerly Invitae), Labcorp
Classification: Uncertain significance for Neutrophil immunodeficiency syndrome. Last evaluated: 2025-06-12. Review status: criteria provided, single submitter. Criteria: Invitae Variant Classification Sherloc (09022015). Collection method: clinical testing. Allele origin: germline.
Comment: This sequence change replaces alanine, which is neutral and non-polar, with threonine, which is neutral and polar, at codon 95 of the RAC2 protein (p.Ala95Thr). The frequency data for this variant in the population databases is considered unreliable, as metrics indicate poor data quality at this position in the gnomAD database. This variant has not been reported in the literature in individuals affected with RAC2-related conditions. ClinVar contains an entry for this variant (Variation ID: 1521799). Invitae Evidence Modeling of protein sequence and biophysical properties (such as structural, functional, and spatial information, amino acid conservation, physicochemical variation, residue mobility, and thermodynamic stability) indicates that this missense variant is not expected to disrupt RAC2 protein function with a negative predictive value of 95%. In summary, the available evidence is currently insufficient to determine the role of this variant in disease. Therefore, it has been classified as a Variant of Uncertain Significance.

Blueprint Genetics
Classification: Uncertain significance. Last evaluated: 2019-12-27. Review status: criteria provided, single submitter. Criteria: ACMG Guidelines, 2015. Collection method: clinical testing. Allele origin: germline.

NM_002872.5(RAC2):c.283G>A (p.Ala95Thr)

Gene: RAC2 (Rac family small GTPase 2; minus strand). Cytogenetic location: 22q13.1.
Variant type: single nucleotide variant.
Coding change: c.283G>A on transcript NM_002872.5 (MANE Select); coding-DNA position 283, G replaced by A.
Protein change: p.Ala95Thr; replaces alanine 95 with threonine.
Molecular consequence: missense variant.
Genome position (GRCh38, 1-based): chr22:37,231,937, C>T on the plus strand (G>A on the coding strand, the complement: RAC2 is on the minus strand). VCF-style: chr22-37231937-C-T. GRCh37 (hg19) VCF-style: chr22-37627977-C-T.
Other names: short protein forms A95T.
Identifiers: ClinVar variation 1521799 (VCV001521799.7), dbSNP rs1286584041, ClinGen allele CA411443169.